The following is an entry in ClinVar:

ClinVar aggregate classification (germline): Uncertain significance. Review status: criteria provided, multiple submitters, no conflicts (2 of 4 stars). 2 submissions from 2 submitters: Uncertain significance (2). Last evaluated 2022-12-02.

Allele frequency attached by ClinVar (database versions not stated): TOPMed 0.00001; gnomAD exomes 0.00004; ExAC 0.00005.
gnomAD v4.1: 13 of 1,613,968 alleles (0.00081%); highest among the groups gnomAD compares: East Asian, 0.027%; no homozygotes.

Submissions (2):

Labcorp Genetics (formerly Invitae), Labcorp
Classification: Uncertain significance. Last evaluated: 2022-12-02. Review status: criteria provided, single submitter. Criteria: Invitae Variant Classification Sherloc (09022015). Collection method: clinical testing. Allele origin: germline.
Comment: In summary, the available evidence is currently insufficient to determine the role of this variant in disease. Therefore, it has been classified as a Variant of Uncertain Significance. Algorithms developed to predict the effect of missense changes on protein structure and function are either unavailable or do not agree on the potential impact of this missense change (SIFT: "Deleterious"; PolyPhen-2: "Probably Damaging"; Align-GVGD: "Class C0"). ClinVar contains an entry for this variant (Variation ID: 1356194). This variant has not been reported in the literature in individuals affected with LIPI-related conditions. This variant is present in population databases (rs752715554, gnomAD 0.06%). This sequence change replaces valine, which is neutral and non-polar, with phenylalanine, which is neutral and non-polar, at codon 98 of the LIPI protein (p.Val98Phe).

Ambry Genetics
Classification: Uncertain significance. Last evaluated: 2021-07-20. Review status: criteria provided, single submitter. Criteria: Ambry Variant Classification Scheme 2023. Collection method: clinical testing. Allele origin: germline.

NM_001302998.2(LIPI):c.229G>T (p.Val77Phe)

Gene: LIPI (lipase I; minus strand). Cytogenetic location: 21q11.2.
Variant type: single nucleotide variant.
Coding change: c.229G>T on transcript NM_001302998.2 (MANE Select); coding-DNA position 229, G replaced by T.
Protein change: p.Val77Phe; replaces valine 77 with phenylalanine.
Molecular consequence: missense variant. On other transcripts: intron variant (1).
Genome position (GRCh38, 1-based): chr21:14,189,237, C>A on the plus strand (G>T on the coding strand, the complement: LIPI is on the minus strand). VCF-style: chr21-14189237-C-A. GRCh37 (hg19) VCF-style: chr21-15561558-C-A.
Other names: c.229G>T, p.Val77Phe (NM_001302999.2, NM_001303000.2, NM_001303001.2 and 1 more transcripts); c.94G>T, p.Val32Phe (NM_198996.4); c.47-7378G>T (NM_001379566.1); c.292G>T (NM_198996.2); short protein forms V32F, V77F.
Identifiers: ClinVar variation 1356194 (VCV001356194.7), dbSNP rs752715554, ClinGen allele CA9979735.